The following is an entry in ClinVar:

NM_000419.5(ITGA2B):c.1459_1506del (p.Ala487_Lys502del)

Gene: ITGA2B (integrin subunit alpha 2b; minus strand). Cytogenetic location: 17q21.31.
Variant type: Deletion.
Coding change: c.1459_1506del on transcript NM_000419.5 (MANE Select); coding-DNA positions 1459 to 1506, 48 bases deleted.
Protein change: p.Ala487_Lys502del.
Molecular consequence: inframe deletion. On other transcripts: inframe indel (1).
Genome position (GRCh38, 1-based): chr17:44,380,424-44,380,471, 48 bases deleted; deleting any 48 consecutive bases within chr17:44,380,424-44,380,477 gives the same sequence; the c. name uses the placement nearest the transcript's 3' end. GRCh37 (hg19): chr17:42,457,798-42,457,845.
Other names: c.1453_1500del48, p.Ala487_Lys502del (NM_000419.3).
Identifiers: ClinVar variation 1710582 (VCV001710582.2), dbSNP rs2510079821, ClinGen allele CA2580094058.

ClinVar aggregate classification (germline): Uncertain significance (1 of 4 stars; one submission).

Submission:

GeneDx
Classification: Uncertain significance. Last evaluated: 2022-04-11. Review status: criteria provided, single submitter. Criteria: GeneDx Variant Classification Process June 2021. Collection method: clinical testing. Allele origin: germline. Affected: yes.
Comment: Not observed at significant frequency in large population cohorts (gnomAD); In-frame deletion of 16 amino acids in a non-repeat region; In silico analysis supports a deleterious effect on protein structure/function; Has not been previously published as pathogenic or benign to our knowledge